The following is an entry in ClinVar:

NM_012193.4(FZD4):c.1222G>A (p.Ala408Thr)

Genes: FZD4 (frizzled class receptor 4; minus strand), PRSS23 (serine protease 23; plus strand). Cytogenetic location: 11q14.2.
Variant type: single nucleotide variant.
Coding change: c.1222G>A on transcript NM_012193.4 (MANE Select); coding-DNA position 1222, G replaced by A.
Protein change: p.Ala408Thr; replaces alanine 408 with threonine.
Molecular consequence: missense variant. On other transcripts: non-coding transcript variant (2).
Genome position (GRCh38, 1-based): chr11:86,951,534, C>T on the plus strand (G>A on the coding strand, the complement: FZD4 is on the minus strand). VCF-style: chr11-86951534-C-T. GRCh37 (hg19) VCF-style: chr11-86662576-C-T.
Other names: short protein forms A408T.
Identifiers: ClinVar variation 1349445 (VCV001349445.8), dbSNP rs2135040394, ClinGen allele CA382012428.

ClinVar aggregate classification (germline): Uncertain significance (1 of 4 stars; one submission).

gnomAD v4.1: 3 of 1,614,146 alleles (0.00019%); highest among the groups gnomAD compares: Non-Finnish European, 0.00025%; no homozygotes.

Submission:

Labcorp Genetics (formerly Invitae), Labcorp
Classification: Uncertain significance. Last evaluated: 2022-10-17. Review status: criteria provided, single submitter. Criteria: Invitae Variant Classification Sherloc (09022015). Collection method: clinical testing. Allele origin: germline.
Comment: In summary, the available evidence is currently insufficient to determine the role of this variant in disease. Therefore, it has been classified as a Variant of Uncertain Significance. Advanced modeling of protein sequence and biophysical properties (such as structural, functional, and spatial information, amino acid conservation, physicochemical variation, residue mobility, and thermodynamic stability) performed at Invitae indicates that this missense variant is not expected to disrupt FZD4 protein function. ClinVar contains an entry for this variant (Variation ID: 1349445). This variant has not been reported in the literature in individuals affected with FZD4-related conditions. This variant is not present in population databases (gnomAD no frequency). This sequence change replaces alanine, which is neutral and non-polar, with threonine, which is neutral and polar, at codon 408 of the FZD4 protein (p.Ala408Thr).